The following is an entry in ClinVar:

ClinVar aggregate classification (germline): Uncertain significance. Review status: criteria provided, multiple submitters, no conflicts (2 of 4 stars). 2 submissions from 2 submitters: Uncertain significance (2). Last evaluated 2024-12-09.

Allele frequency attached by ClinVar (database versions not stated): ESP Exome Variant Server 0.00008; TOPMed 0.00008; gnomAD 0.00012 and 0.00013; gnomAD exomes 0.00012; 1000 Genomes Project 0.00020; ExAC 0.00028; 1000 Genomes Project 30x 0.00031.
gnomAD v4.1: 202 of 1,585,802 alleles (0.013%); highest among the groups gnomAD compares: South Asian, 0.017%; no homozygotes.

Submissions (2):

Labcorp Genetics (formerly Invitae), Labcorp
Classification: Uncertain significance. Last evaluated: 2024-12-09. Review status: criteria provided, single submitter. Criteria: Invitae Variant Classification Sherloc (09022015). Collection method: clinical testing. Allele origin: germline.
Comment: This sequence change replaces valine, which is neutral and non-polar, with isoleucine, which is neutral and non-polar, at codon 1261 of the COL18A1 protein (p.Val1261Ile). This variant is present in population databases (rs202104330, gnomAD 0.02%). This variant has not been reported in the literature in individuals affected with COL18A1-related conditions. ClinVar contains an entry for this variant (Variation ID: 1425645). Experimental studies and prediction algorithms are not available or were not evaluated, and the functional significance of this variant is currently unknown. In summary, the available evidence is currently insufficient to determine the role of this variant in disease. Therefore, it has been classified as a Variant of Uncertain Significance.

Blueprint Genetics
Classification: Uncertain significance. Last evaluated: 2024-11-08. Review status: criteria provided, single submitter. Criteria: ACMG Guidelines, 2015. Collection method: clinical testing. Allele origin: germline.

NM_001379500.1(COL18A1):c.3790G>A (p.Val1264Ile)

Genes: COL18A1 (collagen type XVIII alpha 1 chain; plus strand), SLC19A1 (solute carrier family 19 member 1; minus strand). Cytogenetic location: 21q22.3.
Variant type: single nucleotide variant.
Coding change: c.3790G>A on transcript NM_001379500.1 (MANE Select); coding-DNA position 3790, G replaced by A.
Protein change: p.Val1264Ile; replaces valine 1264 with isoleucine.
Molecular consequence: missense variant.
Genome position (GRCh38, 1-based): chr21:45,511,207, G>A. VCF-style: chr21-45511207-G-A. GRCh37 (hg19) VCF-style: chr21-46931121-G-A.
Other names: c.4321G>A, p.Val1441Ile (NM_030582.4); c.5026G>A, p.Val1676Ile (NM_130444.3); short protein forms V1676I, V1264I, V1441I.
Identifiers: ClinVar variation 1425645 (VCV001425645.5), dbSNP rs202104330, ClinGen allele CA10068073.